The following is an entry in ClinVar:

ClinVar aggregate classification (germline): Pathogenic (1 of 4 stars; one submission).

Submission:

Labcorp Genetics (formerly Invitae), Labcorp
Classification: Pathogenic. Last evaluated: 2024-08-02. Review status: criteria provided, single submitter. Criteria: Invitae Variant Classification Sherloc (09022015). Collection method: clinical testing. Allele origin: germline.
Comment: This sequence change inserts a large fragment of DNA, likely a transposable element, in exon 3 of the CTNNA1 gene (c.165_166ins?), causing a frameshift at codon 56 (p.Lys56fs). The exact size and sequence of the insertion cannot be determined by the current assay. However, the insertion is expected to result in an absent or disrupted protein product. This variant is not present in population databases (gnomAD no frequency). This variant has not been reported in the literature in individuals affected with CTNNA1-related conditions. Retrotransposon insertions including LINE1 (L1), Alu, and SVA (SINE-VNTR-Alu) have been reported to be disease-causing through disruption of either a coding region or splice site (PMID: 19763152, 20307669, 22406018) and loss-of-function variants in CTNNA1 are known to be pathogenic (PMID: 32051609, 34425242). For these reasons, this variant has been classified as Pathogenic.

Literature cited by the submitters: PubMed 19763152; PubMed 20307669; PubMed 22406018; PubMed 32051609; PubMed 34425242.

NM_001903.5(CTNNA1):c.165_166insCAGAGCGAGACTCCGTCTCAAAAAAAAAAAAAAAAAAAAAAAAAAAAAAAAAAAAGAAGAGAGGTCGTTCT (p.Lys56fs)

Gene: CTNNA1 (catenin alpha 1; plus strand). Cytogenetic location: 5q31.2.
Variant type: Microsatellite.
Coding change: c.165_166insCAGAGCGAGACTCCGTCTCAAAAAAAAAAAAAAAAAAAAAAAAAAAAAAAAAAAAGAAGAGAGGTCGTTCT on transcript NM_001903.5 (MANE Select); coding-DNA positions 165 to 166, CAGAGCGAGACTCCGTCTCAAAAAAAAAAAAAAAAAAAAAAAAAAAAAAAAAAAAGAAGAGAGGTCGTTCT inserted.
Protein change: p.Lys56fs; shifts the reading frame from lysine 56.
Molecular consequence: frameshift variant. On other transcripts: 5 prime UTR variant (1), intron variant (1).
Genome position: GRCh38: chr5:138,783,219-138,783,236. GRCh37 (hg19), VCF-style position (the base before the change): chr5:138,118,907.
Other names: c.165_166insCAGAGCGAGACTCCGTCTCAAAAAAAAAAAAAAAAAAAAAAAAAAAAAAAAAAAAGAAGAGAGGTCGTTCT, p.Lys56fs (NM_001323983.1, NM_001323984.2, NM_001323985.2 and 3 more transcripts); c.-59_-42AAG[2]AG[2]GTCGTTCTCAGAGCGAGACTCCGTCTCAAAAAAAAAAAAAAAAAAAAAAAAAAAAAAAAAAAAGAAGAGAGGTCGTTCT[1] (NM_001290310.3); c.-9+1207_-9+1208insCAGAGCGAGACTCCGTCTCAAAAAAAAAAAAAAAAAAAAAAAAAAAAAAAAAAAAGAAGAGAGGTCGTTCT (NM_001290309.3); short protein forms K56fs.
Identifiers: ClinVar variation 3661285 (VCV003661285.2).